The following is an entry in ClinVar:

ClinVar aggregate classification (germline): Uncertain significance (1 of 4 stars; one submission).

Conditions:
Charcot-Marie-Tooth disease type 4. Also called: Charcot-Marie-Tooth disease, type IV; Charcot-Marie-Tooth, Type 4. Identifiers: Orphanet 64749, MedGen C4082197, MONDO:0018995.

Submission:

Labcorp Genetics (formerly Invitae), Labcorp
Classification: Uncertain significance for Charcot-Marie-Tooth disease type 4. Last evaluated: 2021-01-18. Review status: criteria provided, single submitter. Criteria: Invitae Variant Classification Sherloc (09022015). Collection method: clinical testing. Allele origin: germline.
Comment: This variant, c.1568_1645dup, results in the insertion of 26 amino acid(s) to the PRX protein (p.Leu523_Leu548dup), but otherwise preserves the integrity of the reading frame. This variant is not present in population databases (ExAC no frequency). This variant has not been reported in the literature in individuals with PRX-related conditions. Algorithms developed to predict the effect of sequence changes on RNA splicing suggest that this variant may create or strengthen a splice site, but this prediction has not been confirmed by published transcriptional studies. In summary, the available evidence is currently insufficient to determine the role of this variant in disease. Therefore, it has been classified as a Variant of Uncertain Significance.

NM_181882.3(PRX):c.1568_1645dup (p.Leu523_Leu548dup)

Gene: PRX (periaxin; minus strand). Cytogenetic location: 19q13.2.
Variant type: Duplication.
Coding change: c.1568_1645dup on transcript NM_181882.3 (MANE Select); coding-DNA positions 1568 to 1645, 78 bases duplicated.
Protein change: p.Leu523_Leu548dup.
Molecular consequence: inframe insertion. On other transcripts: 3 prime UTR variant (1).
Genome position (GRCh38, 1-based): chr19:40,396,707-40,396,784, 78 bases duplicated. GRCh37 (hg19): chr19:40,902,681-40,902,758.
Other names: c.*1773_*1850dup (NM_020956.2).
Identifiers: ClinVar variation 1045878 (VCV001045878.8), ClinGen allele CA2499225488.